The following is an entry in ClinVar:

NM_006612.6(KIF1C):c.1937+5G>A

Genes: KIF1C (kinesin family member 1C; plus strand), LOC126862473 (CDK7 strongly-dependent group 2 enhancer GRCh37_chr17:4923264-4924463; plus strand). Cytogenetic location: 17p13.2.
Variant type: single nucleotide variant.
Coding change: c.1937+5G>A on transcript NM_006612.6 (MANE Select); 5 bases into the intron after coding-DNA position 1937, G replaced by A.
Molecular consequence: intron variant.
Genome position (GRCh38, 1-based): chr17:5,020,683, G>A. VCF-style: chr17-5020683-G-A. GRCh37 (hg19) VCF-style: chr17-4923978-G-A.
Identifiers: ClinVar variation 1344396 (VCV001344396.8), dbSNP rs1393131804, ClinGen allele CA772774754.

ClinVar aggregate classification (germline): Uncertain significance. Review status: criteria provided, multiple submitters, no conflicts (2 of 4 stars). 2 submissions from 2 submitters: Uncertain significance (2). Last evaluated 2022-05-12.

Conditions:
Spastic ataxia 2. Also called: Ataxia, spastic, 2, autosomal recessive. Identifiers: Orphanet 397946, MedGen C1969796, MONDO:0012651, OMIM 611302.
Hereditary spastic paraplegia. Also called: Familial spastic paraparesis. Identifiers: Orphanet 685, MedGen C0037773, MONDO:0019064. Disease mechanism: loss of function.

Allele frequency attached by ClinVar (database versions not stated): TOPMed 0.00002.

Submissions (2):

Labcorp Genetics (formerly Invitae), Labcorp
Classification: Uncertain significance for Spastic ataxia 2. Last evaluated: 2022-05-12. Review status: criteria provided, single submitter. Criteria: Invitae Variant Classification Sherloc (09022015). Collection method: clinical testing. Allele origin: germline.
Comment: This variant is not present in population databases (gnomAD no frequency). This sequence change falls in intron 20 of the KIF1C gene. It does not directly change the encoded amino acid sequence of the KIF1C protein. It affects a nucleotide within the consensus splice site. This variant has not been reported in the literature in individuals affected with KIF1C-related conditions. In summary, the available evidence is currently insufficient to determine the role of this variant in disease. Therefore, it has been classified as a Variant of Uncertain Significance. Variants that disrupt the consensus splice site are a relatively common cause of aberrant splicing (PMID: 17576681, 9536098). Algorithms developed to predict the effect of sequence changes on RNA splicing suggest that this variant is not likely to affect RNA splicing.

Genome Diagnostics Laboratory, The Hospital for Sick Children
Classification: Uncertain significance for Hereditary spastic paraplegia. Last evaluated: 2016-12-12. Review status: criteria provided, single submitter. Criteria: ACMG Guidelines, 2015. Collection method: clinical testing. Allele origin: germline. Affected: yes.

Literature cited by the submitters: PubMed 17576681 (cited by Labcorp Genetics (formerly Invitae), Labcorp); PubMed 9536098 (cited by Labcorp Genetics (formerly Invitae), Labcorp).